The following is an entry in ClinVar:

ClinVar aggregate classification (germline): Conflicting classifications of pathogenicity. Review status: criteria provided, conflicting classifications (1 of 4 stars). 2 submissions from 2 submitters: Likely pathogenic (1); Uncertain significance (1). Last evaluated 2024-05-17.

Conditions:
Childhood apraxia of speech (SPCH1). Also called: DEVELOPMENTAL VERBAL DYSPRAXIA; FOXP2-Related Speech and Language Disorder; Speech language disorder; SPEECH AND LANGUAGE DISORDER WITH OROFACIAL DYSPRAXIA. Identifiers: Orphanet 209908, MedGen C0750927, MONDO:0011184, OMIM 602081.

Allele frequency attached by ClinVar (database versions not stated): ExAC 0.00001; gnomAD 0.00001; 1000 Genomes Project 30x 0.00016; 1000 Genomes Project 0.00020.

Submissions (2):

GeneDx
Classification: Likely pathogenic. Last evaluated: 2024-05-17. Review status: criteria provided, single submitter. Criteria: GeneDx Variant Classification Process June 2021. Collection method: clinical testing. Allele origin: germline. Affected: yes.
Comment: Reported as a de novo variant in a patient with autism in the published literature (PMID: 31981491); In silico analysis supports that this missense variant has a deleterious effect on protein structure/function; This variant is associated with the following publications: (PMID: 35944036, 35982160, 35982159, 31981491, 11586359)

Revvity Omics, Revvity
Classification: Uncertain significance for Childhood apraxia of speech. Last evaluated: 2021-08-25. Review status: criteria provided, single submitter. Criteria: ACMG Guidelines, 2015. Collection method: clinical testing. Allele origin: germline.

NM_014491.4(FOXP2):c.1657C>T (p.Arg553Cys)

Gene: FOXP2 (forkhead box P2; plus strand). Cytogenetic location: 7q31.1.
Variant type: single nucleotide variant.
Coding change: c.1657C>T on transcript NM_014491.4 (MANE Select); coding-DNA position 1657, C replaced by T.
Protein change: p.Arg553Cys; replaces arginine 553 with cysteine.
Molecular consequence: missense variant. On other transcripts: non-coding transcript variant (2).
Genome position (GRCh38, 1-based): chr7:114,662,074, C>T. VCF-style: chr7-114662074-C-T. GRCh37 (hg19) VCF-style: chr7-114302129-C-T.
Other names: c.1657C>T (NM_014491.3); c.1654C>T, p.Arg552Cys (NM_001172766.3); c.1732C>T, p.Arg578Cys (NM_148898.4); c.1708C>T, p.Arg570Cys (NM_148900.4); short protein forms R552C, R553C, R570C, R578C.
Identifiers: ClinVar variation 2441553 (VCV002441553.4), dbSNP rs566961630, ClinGen allele CA4446176.